The following is an entry in ClinVar:

ClinVar aggregate classification (germline): Likely benign (1 of 4 stars; one submission).

Allele frequency attached by ClinVar (database versions not stated): gnomAD exomes below 0.00001 and 0.00001; TOPMed below 0.00001.
gnomAD v4.1: 20 of 1,609,734 alleles (0.0012%); highest among the groups gnomAD compares: African/African-American, 0.0081%; no homozygotes.

Submission:

CeGaT Center for Human Genetics Tuebingen
Classification: Likely benign. Last evaluated: 2022-07-01. Review status: criteria provided, single submitter. Criteria: CeGaT Center For Human Genetics Tuebingen Variant Classification Criteria Version 2. Collection method: clinical testing. Allele origin: germline. Affected: yes. Observed: 1 variant allele.
Comment: WNK1: BP4, BP7

NM_018979.4(WNK1):c.2430G>A (p.Ala810=)

Gene: WNK1 (WNK lysine deficient protein kinase 1; plus strand). Cytogenetic location: 12p13.33.
Variant type: single nucleotide variant.
Coding change: c.2430G>A on transcript NM_018979.4 (MANE Select); coding-DNA position 2430, G replaced by A.
Protein change: p.Ala810=; no amino-acid change (alanine 810 retained).
Molecular consequence: synonymous variant. On other transcripts: intron variant (3).
Genome position (GRCh38, 1-based): chr12:879,629, G>A. VCF-style: chr12-879629-G-A. GRCh37 (hg19) VCF-style: chr12-988795-G-A.
Other names: c.3867+1268G>A (NM_213655.5); c.3613-1092G>A (NM_001184985.2); c.2370+1268G>A (NM_014823.3).
Identifiers: ClinVar variation 1701179 (VCV001701179.31), dbSNP rs201913428, ClinGen allele CA231475169.